The following is an entry in ClinVar:

ClinVar aggregate classification (germline): Conflicting classifications of pathogenicity. Review status: criteria provided, conflicting classifications (1 of 4 stars). 9 submissions from 9 submitters: Uncertain significance (1); Likely benign (8). Last evaluated 2026-01-21.

Conditions:
Hereditary cancer-predisposing syndrome. Also called: Hereditary neoplastic syndrome; Neoplastic Syndromes, Hereditary; Hereditary Cancer Syndrome; Tumor predisposition. Identifiers: Orphanet 140162, MedGen C0027672, MeSH D009386, MONDO:0015356.
PTCH1-related disorder. Also called: PTCH1-related disorders; PTCH1-related condition.
Gorlin syndrome. Also called: Nevoid Basal Cell Carcinoma Syndrome; Basal cell nevus syndrome. Identifiers: Orphanet 377, MedGen C0004779, MONDO:0007187.

Allele frequency attached by ClinVar (database versions not stated): gnomAD exomes 0.00004; ExAC 0.00006; gnomAD 0.00008 and 0.00010; TOPMed 0.00020; 1000 Genomes Project 0.00060; 1000 Genomes Project 30x 0.00078.
gnomAD v4.1: 79 of 1,614,144 alleles (0.0049%); highest among the groups gnomAD compares: Admixed American, 0.037%; no homozygotes.

Submissions (9):

Labcorp Genetics (formerly Invitae), Labcorp
Classification: Likely benign for Gorlin syndrome. Last evaluated: 2026-01-21. Review status: criteria provided, single submitter. Criteria: Invitae Variant Classification Sherloc (09022015). Collection method: clinical testing. Allele origin: germline.

CeGaT Center for Human Genetics Tuebingen
Classification: Likely benign. Last evaluated: 2025-10-01. Review status: criteria provided, single submitter. Criteria: CeGaT Center For Human Genetics Tuebingen Variant Classification Criteria Version 2. Collection method: clinical testing. Allele origin: germline. Affected: yes. Observed: 3 variant alleles.
Comment: PTCH1: BP4, BP7

PreventionGenetics, part of Exact Sciences
Classification: Likely benign for PTCH1-related condition. Last evaluated: 2025-07-23. Review status: criteria provided, single submitter. Criteria: ACMG Guidelines, 2015. Collection method: clinical testing. Allele origin: germline.
Comment: This variant is classified as likely benign based on ACMG/AMP sequence variant interpretation guidelines (Richards et al. 2015 PMID: 25741868, with internal and published modifications).

Center for Genomic Medicine, Rigshospitalet, Copenhagen University Hospital
Classification: Likely benign. Last evaluated: 2025-03-04. Review status: criteria provided, single submitter. Criteria: ACMG Guidelines, 2015. Collection method: clinical testing. Allele origin: germline.

Blueprint Genetics
Classification: Likely benign. Last evaluated: 2023-11-14. Review status: criteria provided, single submitter. Criteria: ACMG Guidelines, 2015. Collection method: clinical testing. Allele origin: germline.

Quest Diagnostics Nichols Institute San Juan Capistrano
Classification: Likely benign. Last evaluated: 2023-03-23. Review status: criteria provided, single submitter. Criteria: Quest Diagnostics criteria. Collection method: clinical testing. Allele origin: unknown.

Sema4
Classification: Likely benign for Hereditary cancer-predisposing syndrome. Last evaluated: 2022-01-22. Review status: criteria provided, single submitter. Criteria: Sema4 Curation Guidelines. Collection method: curation. Allele origin: germline.

Institute for Clinical Genetics, University Hospital TU Dresden, University Hospital TU Dresden
Classification: Uncertain significance. Last evaluated: 2021-11-03. Review status: criteria provided, single submitter. Criteria: ACMG Guidelines, 2015. Collection method: clinical testing. Allele origin: germline.

Ambry Genetics
Classification: Likely benign for Hereditary cancer-predisposing syndrome. Last evaluated: 2017-04-20. Review status: criteria provided, single submitter. Criteria: Ambry Variant Classification Scheme 2023. Collection method: clinical testing. Allele origin: germline.

NM_000264.5(PTCH1):c.4302C>T (p.Asp1434=)

Gene: PTCH1 (patched 1; minus strand). Cytogenetic location: 9q22.32.
Variant type: single nucleotide variant.
Coding change: c.4302C>T on transcript NM_000264.5 (MANE Select); coding-DNA position 4302, C replaced by T.
Protein change: p.Asp1434=; no amino-acid change (aspartic acid 1434 retained).
Molecular consequence: synonymous variant. On other transcripts: non-coding transcript variant (1).
Genome position (GRCh38, 1-based): chr9:95,446,954, G>A on the plus strand (C>T on the coding strand, the complement: PTCH1 is on the minus strand). VCF-style: chr9-95446954-G-A. GRCh37 (hg19) VCF-style: chr9-98209236-G-A.
Other names: c.4302C>T (NM_000264.4); c.4104C>T, p.Asp1368= (NM_001083602.3); c.4299C>T, p.Asp1433= (NM_001083603.3); c.3849C>T, p.Asp1283= (NM_001083604.3, NM_001083605.3, NM_001083606.3 and 1 more transcripts); c.4146C>T, p.Asp1382= (NM_001354918.2).
Identifiers: ClinVar variation 453893 (VCV000453893.49), dbSNP rs201357130, ClinGen allele CA5137901.